The following is an entry in ClinVar:

NM_001165963.4(SCN1A):c.1065T>C (p.Gly355=)

Gene: SCN1A (sodium voltage-gated channel alpha subunit 1; minus strand). Cytogenetic location: 2q24.3.
Variant type: single nucleotide variant.
Coding change: c.1065T>C on transcript NM_001165963.4 (MANE Select); coding-DNA position 1065, T replaced by C.
Protein change: p.Gly355=; no amino-acid change (glycine 355 retained).
Molecular consequence: synonymous variant. On other transcripts: 5 prime UTR variant (1), non-coding transcript variant (1).
Genome position (GRCh38, 1-based): chr2:166,047,732, A>G on the plus strand (T>C on the coding strand, the complement: SCN1A is on the minus strand). VCF-style: chr2-166047732-A-G. GRCh37 (hg19) VCF-style: chr2-166904242-A-G.
Other names: p.G355G:GGT>GGC; c.1065T>C, p.Gly355= (NM_001165964.3, NM_001202435.3, NM_001353948.2 and 10 more transcripts); c.-1361T>C (NM_001353961.2).
Identifiers: ClinVar variation 206725 (VCV000206725.16), dbSNP rs757535449, ClinGen allele CA317093.

ClinVar aggregate classification (germline): Benign/Likely benign. Review status: criteria provided, multiple submitters, no conflicts (2 of 4 stars). 4 submissions from 4 submitters: Benign (1); Likely benign (3). Last evaluated 2026-01-12.

Conditions:
Early-infantile DEE. Also called: Ohtahara syndrome; Early infantile epileptic encephalopathy; Early infantile epileptic encephalopathy with suppression bursts. Identifiers: Orphanet 1934, MedGen C0393706, MONDO:0800491.

Allele frequency attached by ClinVar (database versions not stated): ExAC 0.00002; gnomAD exomes 0.00002 and 0.00001; TOPMed 0.00002; gnomAD 0.00003.
gnomAD v4.1: 21 of 1,613,550 alleles (0.0013%); highest among the groups gnomAD compares: Admixed American, 0.0033%; no homozygotes.

Submissions (4):

Labcorp Genetics (formerly Invitae), Labcorp
Classification: Likely benign for Early-infantile DEE. Last evaluated: 2026-01-12. Review status: criteria provided, single submitter. Criteria: Invitae Variant Classification Sherloc (09022015). Collection method: clinical testing. Allele origin: germline.

CeGaT Center for Human Genetics Tuebingen
Classification: Likely benign. Last evaluated: 2026-01-01. Review status: criteria provided, single submitter. Criteria: CeGaT Center For Human Genetics Tuebingen Variant Classification Criteria Version 2. Collection method: clinical testing. Allele origin: germline. Affected: yes. Observed: 1 variant allele.
Comment: SCN1A: BP4, BP7

GeneDx
Classification: Benign. Last evaluated: 2015-01-19. Review status: criteria provided, single submitter. Criteria: GeneDx Variant Classification (06012015). Collection method: clinical testing. Allele origin: germline. Affected: yes.
Comment: This variant is considered likely benign or benign based on one or more of the following criteria: it is a conservative change, it occurs at a poorly conserved position in the protein, it is predicted to be benign by multiple in silico algorithms, and/or has population frequency not consistent with disease.

PreventionGenetics, part of Exact Sciences
Classification: Likely benign. Review status: criteria provided, single submitter. Criteria: ACMG Guidelines, 2015. Collection method: clinical testing. Allele origin: germline.